The following is an entry in ClinVar:

NM_003072.5(SMARCA4):c.714C>T (p.Pro238=)

Gene: SMARCA4 (SWI/SNF related BAF chromatin remodeling complex subunit ATPase 4; plus strand). Cytogenetic location: 19p13.2.
Variant type: single nucleotide variant.
Coding change: c.714C>T on transcript NM_003072.5 (MANE Select); coding-DNA position 714, C replaced by T.
Protein change: p.Pro238=; no amino-acid change (proline 238 retained).
Molecular consequence: synonymous variant. On other transcripts: non-coding transcript variant (1).
Genome position (GRCh38, 1-based): chr19:10,986,547, C>T. VCF-style: chr19-10986547-C-T. GRCh37 (hg19) VCF-style: chr19-11097223-C-T.
Other names: c.714C>T, p.Pro238= (NM_001128844.3, NM_001128845.2, NM_001128846.2 and 5 more transcripts).
Identifiers: ClinVar variation 415126 (VCV000415126.22), dbSNP rs995632376, ClinGen allele CA16616095.

ClinVar aggregate classification (germline): Benign/Likely benign. Review status: criteria provided, multiple submitters, no conflicts (2 of 4 stars). 4 submissions from 4 submitters: Benign (2); Likely benign (2). Last evaluated 2026-07-09.

Conditions:
Hereditary cancer-predisposing syndrome. Also called: Hereditary Cancer Syndrome; Hereditary neoplastic syndrome; Neoplastic Syndromes, Hereditary; Tumor predisposition. Identifiers: Orphanet 140162, MedGen C0027672, MeSH D009386, MONDO:0015356.
Rhabdoid tumor predisposition syndrome 2 (RTPS2). Identifiers: Orphanet 231108, Orphanet 69077, MedGen C2750074, MONDO:0013224, OMIM 613325.

Allele frequency attached by ClinVar (database versions not stated): gnomAD exomes 0.00002; gnomAD 0.00010 and 0.00011; TOPMed 0.00014.
gnomAD v4.1: 42 of 1,539,238 alleles (0.0027%); highest among the groups gnomAD compares: African/African-American, 0.023%; 1 homozygote.

Submissions (4):

Myriad Genetics, Inc.
Classification: Benign for Rhabdoid tumor predisposition syndrome 2. Last evaluated: 2026-07-09. Review status: criteria provided, single submitter. Criteria: Myriad Autosomal Dominant, Autosomal Recessive and X-Linked Classification Criteria (2023). Collection method: clinical testing. Allele origin: unknown.
Comment: This variant is considered benign. This variant is a silent/synonymous amino acid change and it is not expected to impact splicing.

Labcorp Genetics (formerly Invitae), Labcorp
Classification: Likely benign for Rhabdoid tumor predisposition syndrome 2. Last evaluated: 2026-01-18. Review status: criteria provided, single submitter. Criteria: Invitae Variant Classification Sherloc (09022015). Collection method: clinical testing. Allele origin: germline.

Quest Diagnostics Nichols Institute San Juan Capistrano
Classification: Benign. Last evaluated: 2025-10-08. Review status: criteria provided, single submitter. Criteria: Quest Diagnostics criteria. Collection method: clinical testing. Allele origin: unknown.

Ambry Genetics
Classification: Likely benign for Hereditary cancer-predisposing syndrome. Last evaluated: 2017-03-16. Review status: criteria provided, single submitter. Criteria: Ambry Variant Classification Scheme 2023. Collection method: clinical testing. Allele origin: germline.